The following is an entry in ClinVar:

NM_001081.4(CUBN):c.4799G>A (p.Arg1600Lys)

Gene: CUBN (cubilin; minus strand). Cytogenetic location: 10p13.
Variant type: single nucleotide variant.
Coding change: c.4799G>A on transcript NM_001081.4 (MANE Select); coding-DNA position 4799, G replaced by A.
Protein change: p.Arg1600Lys; replaces arginine 1600 with lysine.
Molecular consequence: missense variant.
Genome position (GRCh38, 1-based): chr10:16,954,445, C>T on the plus strand (G>A on the coding strand, the complement: CUBN is on the minus strand). VCF-style: chr10-16954445-C-T. GRCh37 (hg19) VCF-style: chr10-16996444-C-T.
Other names: short protein forms R1600K.
Identifiers: ClinVar variation 2880647 (VCV002880647.3), dbSNP rs370239801, ClinGen allele CA5424251.

ClinVar aggregate classification (germline): Uncertain significance (1 of 4 stars; one submission).

Conditions:
Imerslund-Grasbeck syndrome. Also called: Imerslund-Gräsbeck syndrome; Megaloblastic anemia due to inborn errors of metabolism; PERNICIOUS ANEMIA, JUVENILE, DUE TO SELECTIVE INTESTINAL MALABSORPTION OF VITAMIN B12, WITH PROTEINURIA; ENTEROCYTE COBALAMIN MALABSORPTION; ENTEROCYTE INTRINSIC FACTOR RECEPTOR, DEFECT OF. Identifiers: Orphanet 35858, MedGen C4551825, MONDO:0009853.

Allele frequency attached by ClinVar (database versions not stated): ESP Exome Variant Server 0.00008.

Submission:

Labcorp Genetics (formerly Invitae), Labcorp
Classification: Uncertain significance for Imerslund-Grasbeck syndrome. Last evaluated: 2025-06-12. Review status: criteria provided, single submitter. Criteria: Invitae Variant Classification Sherloc (09022015). Collection method: clinical testing. Allele origin: germline.
Comment: This sequence change replaces arginine, which is basic and polar, with lysine, which is basic and polar, at codon 1600 of the CUBN protein (p.Arg1600Lys). This variant is not present in population databases (gnomAD no frequency). This variant has not been reported in the literature in individuals affected with CUBN-related conditions. ClinVar contains an entry for this variant (Variation ID: 2880647). Invitae Evidence Modeling of protein sequence and biophysical properties (such as structural, functional, and spatial information, amino acid conservation, physicochemical variation, residue mobility, and thermodynamic stability) indicates that this missense variant is not expected to disrupt CUBN protein function with a negative predictive value of 80%. In summary, the available evidence is currently insufficient to determine the role of this variant in disease. Therefore, it has been classified as a Variant of Uncertain Significance.